The following is an entry in ClinVar:

NM_006941.4(SOX10):c.102CGG[6] (p.Gly39_Ser40insGly)

Genes: POLR2F (RNA polymerase II, I and III subunit F; plus strand), SOX10 (SRY-box transcription factor 10; minus strand). Cytogenetic location: 22q13.1.
Variant type: Microsatellite.
Coding change: c.102CGG[6] on transcript NM_006941.4 (MANE Select); six copies in a row of the 3-base unit CGG starting at c.102; the reference has five copies in a row; one copy, 3 bases duplicated; also written c.114_116dup.
Protein change: p.Gly39_Ser40insGly.
Molecular consequence: inframe insertion. On other transcripts: intron variant (3), inframe indel (2).
Genome position (GRCh38, 1-based): chr22:37,983,669-37,983,671, CCG duplicated on the plus strand (CGG on the coding strand, the reverse complement: SOX10 is on the minus strand); duplicating any 3 consecutive bases within chr22:37,983,669-37,983,683 gives the same sequence; the position shown is the placement nearest the transcript's 3' end. VCF-style (leftmost placement, unchanged base first): chr22-37983668-T-TCCG. GRCh37 (hg19) VCF-style: chr22-38379675-T-TCCG.
Other names: c.*38+11359CCG[6] (NM_001363825.1); c.294-2485CCG[6] (NM_001301130.2); c.293+16499CCG[6] (NM_001301131.2); c.114_116dup (NM_006941.3); c.114_116dupCGG (NM_006941.3).
Identifiers: ClinVar variation 1434719 (VCV001434719.9), dbSNP rs759284353, ClinGen allele CA10228727.

ClinVar aggregate classification (germline): Conflicting classifications of pathogenicity. Review status: criteria provided, conflicting classifications (1 of 4 stars). 3 submissions from 3 submitters: Uncertain significance (2); Likely benign (1). Last evaluated 2025-07-28.

Conditions:
SOX10-related disorder. Also called: SOX10-related condition.

Submissions (3):

GeneDx
Classification: Uncertain significance. Last evaluated: 2025-07-28. Review status: criteria provided, single submitter. Criteria: GeneDx Variant Classification Process June 2021. Collection method: clinical testing. Allele origin: germline. Affected: yes.
Comment: In-frame duplication of 1 amino acid(s); Has not been previously published as pathogenic or benign to our knowledge

PreventionGenetics, part of Exact Sciences
Classification: Uncertain significance for SOX10-related condition. Last evaluated: 2025-06-17. Review status: criteria provided, single submitter. Criteria: ACMG Guidelines, 2015. Collection method: clinical testing. Allele origin: germline.
Comment: The SOX10 c.114_116dupCGG variant is predicted to result in an in-frame duplication (p.Gly39dup). To our knowledge, this variant has not been reported in the literature. This variant is reported in 0.024% of alleles in individuals of East Asian descent in gnomAD, which may be too frequent to be a primary cause of disease. Although we suspect this variant may be benign, at this time, the clinical significance of this variant is uncertain due to the absence of conclusive functional and genetic evidence.

Labcorp Genetics (formerly Invitae), Labcorp
Classification: Likely benign. Last evaluated: 2023-12-27. Review status: criteria provided, single submitter. Criteria: Invitae Variant Classification Sherloc (09022015). Collection method: clinical testing. Allele origin: germline.